The following is an entry in ClinVar:

NM_000368.5(TSC1):c.202C>T (p.His68Tyr)

Gene: TSC1 (TSC complex subunit 1; minus strand). Cytogenetic location: 9q34.13.
Variant type: single nucleotide variant.
Coding change: c.202C>T on transcript NM_000368.5 (MANE Select); coding-DNA position 202, C replaced by T.
Protein change: p.His68Tyr; replaces histidine 68 with tyrosine.
Molecular consequence: missense variant. On other transcripts: 5 prime UTR variant (9), non-coding transcript variant (4), intron variant (9).
Genome position (GRCh38, 1-based): chr9:132,927,209, G>A on the plus strand (C>T on the coding strand, the complement: TSC1 is on the minus strand). VCF-style: chr9-132927209-G-A. GRCh37 (hg19) VCF-style: chr9-135802596-G-A.
Other names: c.202C>T, p.His68Tyr (NM_001162426.2, NM_001162427.2, NM_001406592.1 and 21 more transcripts); c.-287C>T (NM_001406615.1, NM_001406623.1); c.-254C>T (NM_001406616.1, NM_001406624.1); c.-676C>T (NM_001406626.1, NM_001406627.1, NM_001406628.1); c.-818C>T (NM_001406629.1); c.-892C>T (NM_001406630.1); c.-153-1470C>T (NM_001406620.1, NM_001406618.1, NM_001406625.1 and 5 more transcripts); c.-245-1470C>T (NM_001406614.1); short protein forms H68Y.
Identifiers: ClinVar variation 3231289 (VCV003231289.2), dbSNP rs2132265305, ClinGen allele CA375375036.
Genomic context (GRCh38, chr9:132,927,209, plus strand): 5'-CTGTTGTACTCATGAAGAACATATGAAATGCCTATGATATTTCAGCCATTACCTTGTCAT[G>A]TGGCTCTTGCAAGGTGGTCAGGATGTGCAATGCCGGCTGAGAGCTGGTTTCCAGGTAATA-3'
Protein context (NP_000359.1, residues 58-78): LHILTTLQEP[His68Tyr]DKHLLDRINE

ClinVar aggregate classification (germline): Uncertain significance (1 of 4 stars; one submission).

Conditions:
Hereditary cancer-predisposing syndrome. Also called: Neoplastic Syndromes, Hereditary; Tumor predisposition; Hereditary Cancer Syndrome; Hereditary neoplastic syndrome. Identifiers: Orphanet 140162, MedGen C0027672, MeSH D009386, MONDO:0015356.

Submission:

Ambry Genetics
Classification: Uncertain significance for Hereditary cancer-predisposing syndrome. Last evaluated: 2026-07-10. Review status: criteria provided, single submitter. Criteria: Ambry Variant Classification Scheme 2023. Collection method: clinical testing. Allele origin: germline.
Comment: The p.H68Y variant (also known as c.202C>T), located in coding exon 2 of the TSC1 gene, results from a C to T substitution at nucleotide position 202. The histidine at codon 68 is replaced by tyrosine, an amino acid with similar properties. This amino acid position is conserved. In addition, this alteration is predicted to be deleterious by in silico analysis. Based on the available evidence, the clinical significance of this variant remains unclear.